The following is an entry in ClinVar:

ClinVar aggregate classification (germline): Uncertain significance (1 of 4 stars; one submission).

Conditions:
Heterotaxy, visceral, 12, autosomal (HTX12). Identifiers: MedGen C5676898, MONDO:0859222, OMIM 619702.

gnomAD v4.1: 9 of 632,138 alleles (0.0014%); highest among the groups gnomAD compares: Non-Finnish European, 0.0026%; no homozygotes.

Submission:

Dasa
Classification: Uncertain significance for Heterotaxy, visceral, 12, autosomal. Last evaluated: 2025-03-07. Review status: criteria provided, single submitter. Criteria: DASA Assertion Criteria. Collection method: clinical testing. Allele origin: germline.
Comment: NM_001354640.2(CIROP):c.1532G>A (p.Gly511Glu) is a missense variant that results in the substitution of glycine with glutamic acid. This variant is rare in population databases. The currently available literature and clinical evidence are not sufficient to establish a definitive association between this variant and the reported condition. Therefore, this variant is classified as a variant of uncertain significance.

NM_001354640.2(CIROP):c.1532G>A (p.Gly511Glu)

Gene: CIROP (ciliated left-right organizer metallopeptidase; minus strand). Cytogenetic location: 14q11.2.
Variant type: single nucleotide variant.
Coding change: c.1532G>A on transcript NM_001354640.2 (MANE Select); coding-DNA position 1532, G replaced by A.
Protein change: p.Gly511Glu; replaces glycine 511 with glutamic acid.
Molecular consequence: missense variant.
Genome position (GRCh38, 1-based): chr14:23,101,509, C>T on the plus strand (G>A on the coding strand, the complement: CIROP is on the minus strand). VCF-style: chr14-23101509-C-T. GRCh37 (hg19) VCF-style: chr14-23570718-C-T.
Other names: c.1367G>A, p.Gly456Glu (NM_001402427.1); short protein forms G456E, G511E.
Identifiers: ClinVar variation 4883002 (VCV004883002.2).